The following is an entry in ClinVar:

NM_012318.3(LETM1):c.864G>C (p.Val288=)

Gene: LETM1 (leucine zipper and EF-hand containing transmembrane protein 1; minus strand). Cytogenetic location: 4p16.3.
Variant type: single nucleotide variant.
Coding change: c.864G>C on transcript NM_012318.3 (MANE Select); coding-DNA position 864, G replaced by C.
Protein change: p.Val288=; no amino-acid change (valine 288 retained).
Molecular consequence: synonymous variant.
Genome position (GRCh38, 1-based): chr4:1,834,857, C>G on the plus strand (G>C on the coding strand, the complement: LETM1 is on the minus strand). VCF-style: chr4-1834857-C-G. GRCh37 (hg19) VCF-style: chr4-1836584-C-G.
Identifiers: ClinVar variation 4534740 (VCV004534740.6).
Genomic context (GRCh38, chr4:1,834,857, plus strand): 5'-GGGAAGGCTCCCTGGTGAGGTCACAGGGACTCAGACGTATCACAGCACCTTCTGGAAAAA[C>G]ACAGAGAAGTCTTTGGTGGCGCTGCCCTTGGCTGCCTTGTTCTTCAAGGCCATCTCCTCG-3'
Protein context (NP_036450.1, residues 278-298): AKGSATKDFS[Val288=]FFQKIRETGE

ClinVar aggregate classification (germline): Likely benign (1 of 4 stars; one submission).

gnomAD v4.1: 33 of 1,614,046 alleles (0.002%); highest among the groups gnomAD compares: Non-Finnish European, 0.0024%; no homozygotes.

Submission:

CeGaT Center for Human Genetics Tuebingen
Classification: Likely benign. Last evaluated: 2025-11-01. Review status: criteria provided, single submitter. Criteria: CeGaT Center For Human Genetics Tuebingen Variant Classification Criteria Version 2. Collection method: clinical testing. Allele origin: germline. Affected: yes. Observed: 1 variant allele.
Comment: LETM1: BP4, BP7